The following is an entry in ClinVar:

ClinVar aggregate classification (germline): Uncertain significance. Review status: criteria provided, multiple submitters, no conflicts (2 of 4 stars). 3 submissions from 3 submitters: Uncertain significance (3). Last evaluated 2025-02-01.

Allele frequency attached by ClinVar (database versions not stated): ESP Exome Variant Server 0.00008; gnomAD exomes 0.00011; gnomAD 0.00007; TOPMed 0.00012; ExAC 0.00017.

Submissions (3):

Mayo Clinic Laboratories, Mayo Clinic
Classification: Uncertain significance. Last evaluated: 2025-02-01. Review status: criteria provided, single submitter. Criteria: ACMG Guidelines, 2015. Collection method: clinical testing. Allele origin: germline. Observed: 1 variant allele.
Comment: BP4

Labcorp Genetics (formerly Invitae), Labcorp
Classification: Uncertain significance. Last evaluated: 2025-01-10. Review status: criteria provided, single submitter. Criteria: Invitae Variant Classification Sherloc (09022015). Collection method: clinical testing. Allele origin: germline.
Comment: This sequence change replaces proline, which is neutral and non-polar, with leucine, which is neutral and non-polar, at codon 1669 of the SBF1 protein (p.Pro1669Leu). This variant is present in population databases (rs376409019, gnomAD 0.02%). This variant has not been reported in the literature in individuals affected with SBF1-related conditions. ClinVar contains an entry for this variant (Variation ID: 1372502). Invitae Evidence Modeling of protein sequence and biophysical properties (such as structural, functional, and spatial information, amino acid conservation, physicochemical variation, residue mobility, and thermodynamic stability) indicates that this missense variant is not expected to disrupt SBF1 protein function with a negative predictive value of 80%. In summary, the available evidence is currently insufficient to determine the role of this variant in disease. Therefore, it has been classified as a Variant of Uncertain Significance.

Ambry Genetics
Classification: Uncertain significance. Last evaluated: 2023-07-05. Review status: criteria provided, single submitter. Criteria: Ambry Variant Classification Scheme 2023. Collection method: clinical testing. Allele origin: germline.

NM_002972.4(SBF1):c.5006C>T (p.Pro1669Leu)

Gene: SBF1 (SET binding factor 1; minus strand). Cytogenetic location: 22q13.33.
Variant type: single nucleotide variant.
Coding change: c.5006C>T on transcript NM_002972.4 (MANE Select); coding-DNA position 5006, C replaced by T.
Protein change: p.Pro1669Leu; replaces proline 1669 with leucine.
Molecular consequence: missense variant.
Genome position (GRCh38, 1-based): chr22:50,454,549, G>A on the plus strand (C>T on the coding strand, the complement: SBF1 is on the minus strand). VCF-style: chr22-50454549-G-A. GRCh37 (hg19) VCF-style: chr22-50892978-G-A.
Other names: p.Pro1669Leu; c.4931C>T, p.Pro1644Leu (NM_001365819.1); c.5006C>T (NM_002972.2); short protein forms P1669L, P1644L.
Identifiers: ClinVar variation 1372502 (VCV001372502.7), dbSNP rs376409019, ClinGen allele CA10316051.